The following is an entry in ClinVar:

ClinVar aggregate classification (germline): Likely benign. Review status: criteria provided, multiple submitters, no conflicts (2 of 4 stars). 3 submissions from 3 submitters: Likely benign (2). 1 of the submissions does not count toward it. Last evaluated 2024-09-09.

Conditions:
KATNB1-related disorder. Also called: KATNB1-related condition.

Allele frequency attached by ClinVar (database versions not stated): gnomAD 0.00001; ExAC 0.00002; TOPMed 0.00002; gnomAD exomes 0.00004.
gnomAD v4.1: 59 of 1,613,260 alleles (0.0037%); highest among the groups gnomAD compares: South Asian, 0.0099%; no homozygotes.

Submissions (3):

Labcorp Genetics (formerly Invitae), Labcorp
Classification: Likely benign. Last evaluated: 2024-09-09. Review status: criteria provided, single submitter. Criteria: Invitae Variant Classification Sherloc (09022015). Collection method: clinical testing. Allele origin: germline.

Blueprint Genetics
Classification: Likely benign. Last evaluated: 2024-02-21. Review status: criteria provided, single submitter. Criteria: ACMG Guidelines, 2015. Collection method: clinical testing. Allele origin: germline.

PreventionGenetics, part of Exact Sciences
Classification: Likely benign for KATNB1-related condition. Last evaluated: 2019-08-01. Review status: no assertion criteria provided. Collection method: clinical testing. Allele origin: germline. Not counted in ClinVar's aggregate classification.
Comment: This variant is classified as likely benign based on ACMG/AMP sequence variant interpretation guidelines (Richards et al. 2015 PMID: 25741868, with internal and published modifications).

NM_005886.3(KATNB1):c.585C>T (p.Val195=)

Gene: KATNB1 (katanin regulatory subunit B1; plus strand). Cytogenetic location: 16q21.
Variant type: single nucleotide variant.
Coding change: c.585C>T on transcript NM_005886.3 (MANE Select); coding-DNA position 585, C replaced by T.
Protein change: p.Val195=; no amino-acid change (valine 195 retained).
Molecular consequence: synonymous variant.
Genome position (GRCh38, 1-based): chr16:57,752,008, C>T. VCF-style: chr16-57752008-C-T. GRCh37 (hg19) VCF-style: chr16-57785920-C-T.
Identifiers: ClinVar variation 748938 (VCV000748938.9), dbSNP rs781932266, ClinGen allele CA8080812.
Genomic context (GRCh38, chr16:57,752,008, plus strand): 5'-TCTCACTGCCGGCAAGATGATGTCTGAGTTCCCTGGTCACACGGGGCCTGTCAACGTGGT[C>T]GAGTTTCACCCCAACGAGTACCTCCTGGCCTCCGGCAGCTCTGACAGGTGAGGAGGAGGA-3'
Protein context (NP_005877.2, residues 185-205): FPGHTGPVNV[Val195=]EFHPNEYLLA